The following is an entry in ClinVar:

NM_024514.5(CYP2R1):c.628_629del (p.Met210fs)

Genes: CYP2R1 (cytochrome P450 family 2 subfamily R member 1; minus strand), PDE3B (phosphodiesterase 3B; plus strand). Cytogenetic location: 11p15.2.
Variant type: Deletion.
Coding change: c.628_629del on transcript NM_024514.5 (MANE Select); coding-DNA positions 628 to 629, 2 bases deleted (AT; older notation c.628_629delAT).
Protein change: p.Met210fs; shifts the reading frame from methionine 210.
Molecular consequence: frameshift variant. On other transcripts: non-coding transcript variant (6), intron variant (5).
Genome position (GRCh38, 1-based): chr11:14,880,507-14,880,508, AT deleted on the plus strand (AT on the coding strand, the reverse complement: CYP2R1 is on the minus strand). VCF-style (leftmost placement, unchanged base first): chr11-14880506-CAT-C. GRCh37 (hg19) VCF-style: chr11-14902052-CAT-C.
Other names: c.283_284del, p.Met95fs (NM_001377214.1, NM_001377215.1, NM_001377216.1 and 5 more transcripts); c.466_467del, p.Met156fs (NM_001377217.1); c.484_485del, p.Met162fs (NM_001400567.1); c.583_584del, p.Met195fs (NM_001400568.1); c.23-1065_23-1064del (NM_001400566.1); c.78-149_78-148del (NM_001400562.1, NM_001400564.1, NM_001400565.1 and 1 more transcripts); short protein forms M210fs, M95fs, M195fs, M156fs, M162fs.
Identifiers: ClinVar variation 1929675 (VCV001929675.7), dbSNP rs782242126, ClinGen allele CA5896652.

ClinVar aggregate classification (germline): Pathogenic/Likely pathogenic. Review status: criteria provided, multiple submitters, no conflicts (2 of 4 stars). 4 submissions from 4 submitters: Pathogenic (1); Likely pathogenic (3). Last evaluated 2025-10-31.

Conditions:
CYP2R1-related disorders.
Vitamin D hydroxylation-deficient rickets, type 1B. Also called: Rickets due to Defect in Vitamin D 25-hydroxylation; PSEUDOVITAMIN D3 DEFICIENCY RICKETS DUE TO 25-HYDROXYLASE DEFICIENCY; VITAMIN D-DEPENDENT RICKETS, TYPE 1B. Identifiers: Orphanet 289157, MedGen C1838657, MONDO:0010810, OMIM 600081.

Allele frequency attached by ClinVar (database versions not stated): gnomAD exomes 0.00004; TOPMed 0.00005; ExAC 0.00007; ESP Exome Variant Server 0.00008; gnomAD 0.00008.

Submissions (4):

Variantyx, Inc.
Classification: Likely pathogenic for Vitamin D hydroxylation-deficient rickets, type 1B. Last evaluated: 2025-10-31. Review status: criteria provided, single submitter. Criteria: Variantyx Assertion Criteria 2022. Collection method: clinical testing. Allele origin: germline. Inheritance: Autosomal recessive inheritance. Affected: no.
Comment: This is a frameshift variant in the CYP2R1 gene (OMIM: 608713). Pathogenic variants in this gene have been associated with autosomal recessive vitamin D-dependent rickets type 1B due to a defect in vitamin D 25-hydroxylation. This variant introduces a premature termination codon in exon 3 out of 5 and is expected to result in loss of function, which is a known disease mechanism for CYP2R1 in this disorder (PMID: 32115644) (PVS1). Functional studies have shown that this variant alters CYP2R1 protein function (PMID:32115644). This variant has a 0.0067% maximum allele frequency in non-founder control populations (PM2). Based on the current evidence, this variant is classified as likely pathogenic for autosomal recessive vitamin D-dependent rickets type 1B due to a defect in vitamin D 25-hydroxylation.

Labcorp Genetics (formerly Invitae), Labcorp
Classification: Pathogenic. Last evaluated: 2025-08-05. Review status: criteria provided, single submitter. Criteria: Invitae Variant Classification Sherloc (09022015). Collection method: clinical testing. Allele origin: germline.
Comment: This sequence change creates a premature translational stop signal (p.Met210Aspfs*2) in the CYP2R1 gene. It is expected to result in an absent or disrupted protein product. Loss-of-function variants in CYP2R1 are known to be pathogenic (PMID: 15128933, 22855339, 25942481, 33715104). This variant is present in population databases (rs782242126, gnomAD 0.02%). This variant has not been reported in the literature in individuals affected with CYP2R1-related conditions. ClinVar contains an entry for this variant (Variation ID: 1929675). Algorithms developed to predict the effect of variants on gene product structure and function are not available or were not evaluated for this variant. Experimental studies have shown that this premature translational stop signal affects CYP2R1 function (PMID: 32115644). For these reasons, this variant has been classified as Pathogenic.

Blueprint Genetics
Classification: Likely pathogenic for CYP2R1-related disorders. Last evaluated: 2024-10-22. Review status: criteria provided, single submitter. Criteria: ACMG Guidelines, 2015. Collection method: clinical testing. Allele origin: germline. Affected: yes. Observed: 5 variant alleles.

Fulgent Genetics
Classification: Likely pathogenic for Vitamin D hydroxylation-deficient rickets, type 1B. Last evaluated: 2024-01-06. Review status: criteria provided, single submitter. Criteria: ACMG Guidelines, 2015. Collection method: clinical testing. Allele origin: germline.

Literature cited by the submitters: PubMed 32115644 (cited by Variantyx, Inc. and Labcorp Genetics (formerly Invitae), Labcorp); PubMed 15128933 (cited by Labcorp Genetics (formerly Invitae), Labcorp); PubMed 22855339 (cited by Labcorp Genetics (formerly Invitae), Labcorp); PubMed 25942481 (cited by Labcorp Genetics (formerly Invitae), Labcorp); PubMed 33715104 (cited by Labcorp Genetics (formerly Invitae), Labcorp).